The following is an entry in ClinVar:

ClinVar aggregate classification (germline): Uncertain significance (1 of 4 stars; one submission).

Conditions:
DYRK1B-related disorder. Also called: DYRK1B-related condition.

Submission:

PreventionGenetics, part of Exact Sciences
Classification: Uncertain significance for DYRK1B-related condition. Last evaluated: 2026-03-16. Review status: criteria provided, single submitter. Criteria: ACMG Guidelines, 2015. Collection method: clinical testing. Allele origin: germline.
Comment: The DYRK1B c.547C>T variant is predicted to result in the amino acid substitution p.Arg183Trp. To our knowledge, this variant has not been reported in the literature or in a large population database (gnomAD), indicating this variant is rare. At this time, the clinical significance of this variant is uncertain due to the absence of conclusive functional and genetic evidence.

NM_004714.3(DYRK1B):c.547C>T (p.Arg183Trp)

Gene: DYRK1B (dual specificity tyrosine phosphorylation regulated kinase 1B; minus strand). Cytogenetic location: 19q13.2.
Variant type: single nucleotide variant.
Coding change: c.547C>T on transcript NM_004714.3 (MANE Select); coding-DNA position 547, C replaced by T.
Protein change: p.Arg183Trp; replaces arginine 183 with tryptophan.
Molecular consequence: missense variant.
Genome position (GRCh38, 1-based): chr19:39,828,557, G>A on the plus strand (C>T on the coding strand, the complement: DYRK1B is on the minus strand). VCF-style: chr19-39828557-G-A. GRCh37 (hg19) VCF-style: chr19-40319197-G-A.
Other names: c.547C>T, p.Arg183Trp (NM_006483.3, NM_006484.3); short protein forms R183W.
Identifiers: ClinVar variation 4992723 (VCV004992723.1).
Genomic context (GRCh38, chr19:39,828,557, plus strand): 5'-TGCGCAGGAGGTCGTACAGGTTGTAGGACAGCAGCTCAAATACCAGGCACAGGTGGTTCC[G>A]GAACATGAAGTGCCGCTTCAGGTGTACTGCGGGGGAGGGGAGGAAATGGGCCAGAGAAGA-3'
Protein context (NP_004705.1, residues 173-193): IVHLKRHFMF[Arg183Trp]NHLCLVFELL